The following is an entry in ClinVar:

ClinVar aggregate classification (germline): Uncertain significance (1 of 4 stars; one submission).

Conditions:
CFI-related disorder. Also called: CFI-related condition; CFI-related disorders. Identifiers: MedGen CN239325.

Submission:

Genomenon, Inc
Classification: Uncertain significance for CFI-related disorder. Last evaluated: 2025-09-26. Review status: criteria provided, single submitter. Criteria: Genomenon Sequence Variant Interpretation Standards - Updated. Collection method: curation. Allele origin: germline. Affected: yes.
Comment: CFI p.Pro83Gln (c.248C>A) is a missense variant that changes the amino acid at residue 83 from Proline to Glutamine. This variant has been observed in at least one proband affected with a CFI-related disorder (PMID:26826462;32510551). Functional studies have been reported; however, the significance of the findings remain unclear (PMID:28671664;32510551). It is absent or not present at a significant frequency in gnomAD. In silico models agree that this variant is not damaging. In conclusion, we classify CFI p.Pro83Gln (c.248C>A) as a variant of unknown significance.

Literature cited by the submitters: PubMed 26826462; 32510551; 28671664.

NM_000204.5(CFI):c.248C>A (p.Pro83Gln)

Gene: CFI (complement factor I; minus strand). Cytogenetic location: 4q25.
Variant type: single nucleotide variant.
Coding change: c.248C>A on transcript NM_000204.5 (MANE Select); coding-DNA position 248, C replaced by A.
Protein change: p.Pro83Gln; replaces proline 83 with glutamine.
Molecular consequence: missense variant. On other transcripts: non-coding transcript variant (3), intron variant (1).
Genome position (GRCh38, 1-based): chr4:109,766,634, G>T on the plus strand (C>A on the coding strand, the complement: CFI is on the minus strand). VCF-style: chr4-109766634-G-T. GRCh37 (hg19) VCF-style: chr4-110687790-G-T.
Other names: c.248C>A, p.Pro83Gln (NM_001318057.2, NM_001331035.2, NM_001375278.1 and 10 more transcripts); c.-127-4942C>A (NM_001375284.1); short protein forms P83Q.
Identifiers: ClinVar variation 4280525 (VCV004280525.1).